The following is an entry in ClinVar:

NM_003737.4(DCHS1):c.7676C>G (p.Pro2559Arg)

Gene: DCHS1 (dachsous cadherin-related 1; minus strand). Cytogenetic location: 11p15.4.
Variant type: single nucleotide variant.
Coding change: c.7676C>G on transcript NM_003737.4 (MANE Select); coding-DNA position 7676, C replaced by G.
Protein change: p.Pro2559Arg; replaces proline 2559 with arginine.
Molecular consequence: missense variant.
Genome position (GRCh38, 1-based): chr11:6,624,000, G>C on the plus strand (C>G on the coding strand, the complement: DCHS1 is on the minus strand). VCF-style: chr11-6624000-G-C. GRCh37 (hg19) VCF-style: chr11-6645231-G-C.
Other names: short protein forms P2559R.
Identifiers: ClinVar variation 3714574 (VCV003714574.2).

ClinVar aggregate classification (germline): Uncertain significance (1 of 4 stars; one submission).

Submission:

Labcorp Genetics (formerly Invitae), Labcorp
Classification: Uncertain significance. Last evaluated: 2024-10-17. Review status: criteria provided, single submitter. Criteria: Invitae Variant Classification Sherloc (09022015). Collection method: clinical testing. Allele origin: germline.
Comment: This sequence change replaces proline, which is neutral and non-polar, with arginine, which is basic and polar, at codon 2559 of the DCHS1 protein (p.Pro2559Arg). This variant is not present in population databases (gnomAD no frequency). This variant has not been reported in the literature in individuals affected with DCHS1-related conditions. Invitae Evidence Modeling of protein sequence and biophysical properties (such as structural, functional, and spatial information, amino acid conservation, physicochemical variation, residue mobility, and thermodynamic stability) indicates that this missense variant is not expected to disrupt DCHS1 protein function with a negative predictive value of 80%. In summary, the available evidence is currently insufficient to determine the role of this variant in disease. Therefore, it has been classified as a Variant of Uncertain Significance.